The following is an entry in ClinVar:

ClinVar aggregate classification (germline): Conflicting classifications of pathogenicity. Review status: criteria provided, conflicting classifications (1 of 4 stars). 3 submissions from 3 submitters: Uncertain significance (2); Likely benign (1). Last evaluated 2023-12-05.

Conditions:
Inborn genetic diseases. Identifiers: MedGen C0950123, MeSH D030342.
Spastic paraplegia. Identifiers: MedGen C0037772, HP:0001258.

Allele frequency attached by ClinVar (database versions not stated): gnomAD 0.00001; gnomAD exomes 0.00001; ExAC 0.00002; TOPMed 0.00002.
gnomAD v4.1: 20 of 1,613,808 alleles (0.0012%); highest among the groups gnomAD compares: African/African-American, 0.004%; no homozygotes.

Submissions (3):

Athena Diagnostics
Classification: Uncertain significance. Last evaluated: 2023-12-05. Review status: criteria provided, single submitter. Criteria: Athena Diagnostics Criteria. Collection method: clinical testing. Allele origin: unknown.
Comment: Available data are insufficient to determine the clinical significance of the variant at this time. The frequency of this variant in the general population is uninformative in assessment of its pathogenicity. Computational tools predict that this variant is not damaging.

Ambry Genetics
Classification: Likely benign for Inborn genetic diseases. Last evaluated: 2023-09-29. Review status: criteria provided, single submitter. Criteria: Ambry Variant Classification Scheme 2023. Collection method: clinical testing. Allele origin: germline.

Labcorp Genetics (formerly Invitae), Labcorp
Classification: Uncertain significance for Spastic paraplegia. Last evaluated: 2022-07-19. Review status: criteria provided, single submitter. Criteria: Invitae Variant Classification Sherloc (09022015). Collection method: clinical testing. Allele origin: germline.
Comment: This sequence change replaces valine, which is neutral and non-polar, with isoleucine, which is neutral and non-polar, at codon 255 of the FA2H protein (p.Val255Ile). This variant is present in population databases (rs773459488, gnomAD 0.003%). This variant has not been reported in the literature in individuals affected with FA2H-related conditions. ClinVar contains an entry for this variant (Variation ID: 1509337). Advanced modeling of protein sequence and biophysical properties (such as structural, functional, and spatial information, amino acid conservation, physicochemical variation, residue mobility, and thermodynamic stability) performed at Invitae indicates that this missense variant is not expected to disrupt FA2H protein function. In summary, the available evidence is currently insufficient to determine the role of this variant in disease. Therefore, it has been classified as a Variant of Uncertain Significance.

NM_024306.5(FA2H):c.763G>A (p.Val255Ile)

Gene: FA2H (fatty acid 2-hydroxylase; minus strand). Cytogenetic location: 16q23.1.
Variant type: single nucleotide variant.
Coding change: c.763G>A on transcript NM_024306.5 (MANE Select); coding-DNA position 763, G replaced by A.
Protein change: p.Val255Ile; replaces valine 255 with isoleucine.
Molecular consequence: missense variant.
Genome position (GRCh38, 1-based): chr16:74,719,011, C>T on the plus strand (G>A on the coding strand, the complement: FA2H is on the minus strand). VCF-style: chr16-74719011-C-T. GRCh37 (hg19) VCF-style: chr16-74752909-C-T.
Other names: c.763G>A (NM_024306.4); short protein forms V255I.
Identifiers: ClinVar variation 1509337 (VCV001509337.6), dbSNP rs773459488, ClinGen allele CA8170418.